The following is an entry in ClinVar:

ClinVar aggregate classification (germline): Pathogenic (1 of 4 stars; one submission).

Conditions:
Familial cancer of breast. Also called: Hereditary breast cancer; BREAST CANCER, FAMILIAL; hereditary breast carcinoma. Identifiers: Orphanet 227535, MedGen C0346153, MONDO:0016419, OMIM 114480. Disease mechanism: loss of function.

Submission:

Labcorp Genetics (formerly Invitae), Labcorp
Classification: Pathogenic for Familial cancer of breast. Last evaluated: 2023-06-21. Review status: criteria provided, single submitter. Criteria: Invitae Variant Classification Sherloc (09022015). Collection method: clinical testing. Allele origin: germline.
Comment: This variant has not been reported in the literature in individuals affected with CHEK2-related conditions. For these reasons, this variant has been classified as Pathogenic. This variant is not present in population databases (gnomAD no frequency). This sequence change creates a premature translational stop signal (p.Glu308Serfs*12) in the CHEK2 gene. It is expected to result in an absent or disrupted protein product. Loss-of-function variants in CHEK2 are known to be pathogenic (PMID: 21876083, 24713400).

Literature cited by the submitters: PubMed 21876083; PubMed 24713400.

NM_007194.4(CHEK2):c.921del (p.Glu308fs)

Gene: CHEK2 (checkpoint kinase 2; minus strand). Cytogenetic location: 22q12.1.
Variant type: Deletion.
Coding change: c.921del on transcript NM_007194.4 (MANE Select); coding-DNA position 921, one base deleted (A; older notation c.921delA).
Protein change: p.Glu308fs; shifts the reading frame from glutamic acid 308.
Molecular consequence: frameshift variant.
Genome position (GRCh38, 1-based): chr22:28,699,925, T deleted on the plus strand (A on the coding strand, the reverse complement: CHEK2 is on the minus strand). VCF-style (leftmost placement, unchanged base first): chr22-28699924-CT-C. GRCh37 (hg19) VCF-style: chr22-29095912-CT-C.
Other names: c.1050delA, p.Glu351Serfs (NM_001005735.3); c.258delA, p.Glu87Serfs (NM_001257387.3); c.720delA, p.Glu241Serfs (NM_001349956.3); c.921delA, p.Glu308Serfs (NM_145862.3); short protein forms E308fs, E351fs, E241fs, E87fs.
Identifiers: ClinVar variation 2782522 (VCV002782522.3), dbSNP rs2517851001, ClinGen allele CA2739265666.
Genomic context (GRCh38, chr22:28,699,924, plus strand): 5'-AATAGAGCTTGCAGGTAGCTTCTTTCAGGCGTTTATTCCCCACCACTTTGTCAAACAGCT[CT>C]CCCCCTTCCATCCTGAAACACAAAGGCAAGGCAAGGGGTTCATTCCTGGGGGAAAACGCA-3'